The following is an entry in ClinVar:

ClinVar aggregate classification (germline): Conflicting classifications of pathogenicity. Review status: criteria provided, conflicting classifications (1 of 4 stars). 3 submissions from 3 submitters: Pathogenic (1); Benign (1). 1 of the submissions does not count toward it. Last evaluated 2018-06-28.

Conditions:
Spinal muscular atrophy (SMA). Identifiers: MedGen C0026847, MeSH D009134, MONDO:0001516, HP:0007269.
Werdnig-Hoffmann disease (SMA1). Also called: MUSCULAR ATROPHY, INFANTILE; SMA I; SMA, INFANTILE ACUTE FORM; HMN (Hereditary Motor Neuropathy) Proximal Type I. Identifiers: Orphanet 83330, MedGen C5848259, MONDO:0009669, OMIM 253300. Disease mechanism: loss of function.

Allele frequency attached by ClinVar (database versions not stated): gnomAD 0.00001.

Submissions (3):

Illumina Laboratory Services, Illumina
Classification: Pathogenic for Spinal muscular atrophy. Last evaluated: 2018-06-28. Review status: criteria provided, single submitter. Criteria: ICSLVariantClassificationCriteria RUGD 01 April 2020. Collection method: clinical testing. Allele origin: unknown.
Comment: The SMN1 c.840C>T (p.Phe280Phe) variant is one of at least five polymorphisms which distinguishes SMN1 from SMN2. At this site, c.840C is the reference nucleotide in SMN1 and c.840T is the reference nucleotide in SMN2. The c.840C>T variant affects splicing of exon 7; SMN protein expressed from SMN1 includes exon 7 and produces a full-length protein, whereas SMN2 produces a transcript which lacks exon 7, resulting in a shorter, unstable SMN protein (Wirth et al. 2000; Kashima and Manley 2003). Absence of the c.840C allele indicates a biallelic absence of wild type SMN1 and is consistent with a clinical diagnosis of spinal muscular atrophy.

Athena Diagnostics
Classification: Benign. Last evaluated: 2017-07-28. Review status: criteria provided, single submitter. Criteria: Athena Diagnostics Criteria. Collection method: clinical testing. Allele origin: germline.

Biochemistry Laboratory of CDMU, Chengde Medical University
Classification: Pathogenic for Werdnig-Hoffmann disease. Review status: no assertion criteria provided. Criteria: ACMG Guidelines, 2015. Collection method: case-control. Allele origin: inherited. Affected: yes. Not counted in ClinVar's aggregate classification.

Literature cited by the submitters: PubMed 10679938 (cited by Illumina Laboratory Services, Illumina); PubMed 12833158 (cited by Illumina Laboratory Services, Illumina); PubMed 21673580 (cited by Athena Diagnostics).

NM_000344.4(SMN1):c.840C>T (p.Phe280=)

Gene: SMN1 (survival of motor neuron 1, telomeric). Cytogenetic location: 5q13.2.
Variant type: single nucleotide variant.
Coding change: c.840C>T on transcript NM_000344.4 (MANE Select); coding-DNA position 840, C replaced by T.
Protein change: p.Phe280=; no amino-acid change (phenylalanine 280 retained).
Molecular consequence: synonymous variant. On other transcripts: intron variant (1).
Genome position (GRCh38, 1-based): chr5:70,951,946, C>T. VCF-style: chr5-70951946-C-T. GRCh37 (hg19) VCF-style: chr5-70247773-C-T.
Other names: c.744C>T, p.Phe248= (NM_022874.2); c.835-493C>T (NM_001297715.1).
Identifiers: ClinVar variation 586628 (VCV000586628.8), dbSNP rs1164325688, ClinGen allele CA444975693.